The following is an entry in ClinVar:

NM_000268.4(NF2):c.1113C>T (p.Asn371=)

Gene: NF2 (NF2, moesin-ezrin-radixin like (MERLIN) tumor suppressor; plus strand). Cytogenetic location: 22q12.2.
Variant type: single nucleotide variant.
Coding change: c.1113C>T on transcript NM_000268.4 (MANE Select); coding-DNA position 1113, C replaced by T.
Protein change: p.Asn371=; no amino-acid change (asparagine 371 retained).
Molecular consequence: synonymous variant. On other transcripts: non-coding transcript variant (1), intron variant (1).
Genome position (GRCh38, 1-based): chr22:29,671,939, C>T. VCF-style: chr22-29671939-C-T. GRCh37 (hg19) VCF-style: chr22-30067928-C-T.
Other names: p.Asn371=; c.1113C>T, p.Asn371= (NM_016418.5, NM_181825.3, NM_181832.3); c.987C>T, p.Asn329= (NM_181828.3); c.990C>T, p.Asn330= (NM_181829.3); c.864C>T, p.Asn288= (NM_181830.3, NM_181831.3); c.448-22813C>T (NM_181833.3).
Identifiers: ClinVar variation 237613 (VCV000237613.59), dbSNP rs142459414, ClinGen allele CA036849.

ClinVar aggregate classification (germline): Benign/Likely benign. Review status: criteria provided, multiple submitters, no conflicts (2 of 4 stars). 16 submissions from 16 submitters: Benign (9); Likely benign (5). 2 of the submissions do not count toward it. Last evaluated 2026-02-03.

Conditions:
Hereditary cancer-predisposing syndrome. Also called: Tumor predisposition; Hereditary Cancer Syndrome; Neoplastic Syndromes, Hereditary; Hereditary neoplastic syndrome. Identifiers: Orphanet 140162, MedGen C0027672, MeSH D009386, MONDO:0015356.
Neurofibromatosis, type 2 (SWNV). Also called: BILATERAL ACOUSTIC NEUROFIBROMATOSIS; NF2-Related Schwannomatosis; SCHWANNOMATOSIS, VESTIBULAR. Identifiers: Orphanet 637, MedGen C0027832, MONDO:0007039, OMIM 101000. Disease mechanism: loss of function.

Allele frequency attached by ClinVar (database versions not stated): ESP Exome Variant Server 0.00008; gnomAD 0.00033 and 0.00062; TOPMed 0.00046; gnomAD exomes 0.00083; ExAC 0.00092; 1000 Genomes Project 30x 0.00234; 1000 Genomes Project 0.00280.
gnomAD v4.1: 1,305 of 1,614,168 alleles (0.081%); highest among the groups gnomAD compares: East Asian, 2.7%; 16 homozygotes.

Submissions (16):

Labcorp Genetics (formerly Invitae), Labcorp
Classification: Benign for Neurofibromatosis, type 2. Last evaluated: 2026-02-03. Review status: criteria provided, single submitter. Criteria: Invitae Variant Classification Sherloc (09022015). Collection method: clinical testing. Allele origin: germline.

Mayo Clinic Laboratories, Mayo Clinic
Classification: Benign. Last evaluated: 2025-07-17. Review status: criteria provided, single submitter. Criteria: ACMG Guidelines, 2015. Collection method: clinical testing. Allele origin: germline. Observed: 1 variant allele.
Comment: BA1

KCCC/NGS Laboratory, Kuwait Cancer Control Center
Classification: Benign for Neurofibromatosis, type 2. Last evaluated: 2025-02-01. Review status: criteria provided, single submitter. Criteria: ACMG Guidelines, 2015. Collection method: clinical testing. Allele origin: germline. Affected: no.

Blueprint Genetics
Classification: Likely benign. Last evaluated: 2024-11-20. Review status: criteria provided, single submitter. Criteria: ACMG Guidelines, 2015. Collection method: clinical testing. Allele origin: germline.

ARUP Laboratories, Molecular Genetics and Genomics, ARUP Laboratories
Classification: Likely benign. Last evaluated: 2024-02-27. Review status: criteria provided, single submitter. Criteria: ARUP Molecular Germline Variant Investigation Process 2024. Collection method: clinical testing. Allele origin: germline.

All of Us Research Program, National Institutes of Health
Classification: Benign for Neurofibromatosis, type 2. Last evaluated: 2024-01-11. Review status: criteria provided, single submitter. Criteria: ACMG Guidelines, 2015. Collection method: clinical testing. Allele origin: germline. Inheritance: Autosomal dominant inheritance. Observed: 62 variant alleles, 62 heterozygotes.
Comment: This study involves interpretation of variants in research participants for the purpose of population health screening. Participant phenotype was not available at the time of variant classification. Additional details can be found in publication PMID: 35346344, PMCID: PMC8962531

CeGaT Center for Human Genetics Tuebingen
Classification: Likely benign. Last evaluated: 2024-01-01. Review status: criteria provided, single submitter. Criteria: CeGaT Center For Human Genetics Tuebingen Variant Classification Criteria Version 2. Collection method: clinical testing. Allele origin: germline. Affected: yes. Observed: 3 variant alleles.
Comment: NF2: BP4, BP7, BS1

Color Diagnostics, LLC DBA Color Health
Classification: Benign for Neurofibromatosis, type 2. Last evaluated: 2022-09-30. Review status: criteria provided, single submitter. Criteria: ACMG Guidelines, 2015. Collection method: clinical testing. Allele origin: germline.

Genome-Nilou Lab
Classification: Benign for Neurofibromatosis, type 2. Last evaluated: 2021-11-07. Review status: criteria provided, single submitter. Criteria: ACMG Guidelines, 2015. Collection method: clinical testing. Allele origin: germline. Affected: no.

Sema4
Classification: Benign for Hereditary cancer-predisposing syndrome. Last evaluated: 2021-04-14. Review status: criteria provided, single submitter. Criteria: Sema4 Curation Guidelines. Collection method: curation. Allele origin: germline.

Illumina Laboratory Services, Illumina
Classification: Likely benign for Neurofibromatosis, type 2. Last evaluated: 2017-04-27. Review status: criteria provided, single submitter. Criteria: ICSL Variant Classification Criteria 13 December 2019. Collection method: clinical testing. Allele origin: germline.
Comment: This variant was observed as part of a predisposition screen in an ostensibly healthy population. A literature search was performed for the gene, cDNA change, and amino acid change (where applicable). No publications were found based on this search. Allele frequency data from public databases allowed determination this variant is unlikely to cause disease. Therefore, this variant is classified as likely benign.

Ambry Genetics
Classification: Benign for Hereditary cancer-predisposing syndrome. Last evaluated: 2017-03-15. Review status: criteria provided, single submitter. Criteria: Ambry Variant Classification Scheme 2023. Collection method: clinical testing. Allele origin: germline.

Women's Health and Genetics/Laboratory Corporation of America, LabCorp
Classification: Benign. Last evaluated: 2016-05-13. Review status: criteria provided, single submitter. Criteria: LabCorp Variant Classification Summary - May 2015. Collection method: clinical testing. Allele origin: germline.
Comment: Variant summary: The NF2 c.1113C>T (p.Asn371Asn) variant involves the alteration of a non-conserved nucleotide, resulting in a synonymous change. One in silico tool predicts a damaging outcome for this variant. 4/5 splice prediction tools predict no significant impact on normal splicing. ESE finder predicts changes of binding motifs for RNA splicing enhancers. This variant was found in 112/121300 control chromosomes at a frequency of 0.0009233, which is approximately 49 times the estimated maximal expected allele frequency of a pathogenic NF2 variant (0.0000189), suggesting this variant is likely a benign polymorphism. The variant of interest has not, to our knowledge, been reported in affected individuals via publications and/or reputable databases/clinical diagnostic laboratories; nor evaluated for functional impact by in vivo/vitro studies. Taken together, this variant is classified as benign.

Breakthrough Genomics
Classification: Likely benign. Review status: criteria provided, single submitter. Criteria: ACMG Guidelines, 2015. Collection method: not provided. Allele origin: germline. Inheritance: Autosomal dominant inheritance. Affected: yes.

Clinical Genetics DNA and cytogenetics Diagnostics Lab, Erasmus MC, Erasmus Medical Center
Classification: Likely benign. Review status: no assertion criteria provided. Collection method: clinical testing. Allele origin: germline. Affected: yes. Study: VKGL Data-share Consensus. Not counted in ClinVar's aggregate classification.

Genome Diagnostics Laboratory, University Medical Center Utrecht
Classification: Likely benign. Review status: no assertion criteria provided. Collection method: clinical testing. Allele origin: germline. Affected: yes. Study: VKGL Data-share Consensus. Not counted in ClinVar's aggregate classification.

Literature cited by the submitters: PubMed 16983642 (cited by Mayo Clinic Laboratories, Mayo Clinic); PubMed 37087513 (cited by Mayo Clinic Laboratories, Mayo Clinic).